The following is an entry in ClinVar:

NM_004260.4(RECQL4):c.3025C>T (p.Gln1009Ter)

Gene: RECQL4 (RecQ like helicase 4; minus strand). Cytogenetic location: 8q24.3.
Variant type: single nucleotide variant.
Coding change: c.3025C>T on transcript NM_004260.4 (MANE Select); coding-DNA position 3025, C replaced by T.
Protein change: p.Gln1009Ter; replaces glutamine 1009 with a stop codon.
Molecular consequence: nonsense.
Genome position (GRCh38, 1-based): chr8:144,512,422, G>A on the plus strand (C>T on the coding strand, the complement: RECQL4 is on the minus strand). VCF-style: chr8-144512422-G-A. GRCh37 (hg19) VCF-style: chr8-145737805-G-A.
Other names: short protein forms Q1009*.
Identifiers: ClinVar variation 593151 (VCV000593151.13), dbSNP rs1564790457, ClinGen allele CA372671343.
Genomic context (GRCh38, chr8:144,512,422, plus strand): 5'-CAGGGCGGTGTGGGGTGGGGAGAGGCGCACCTGTCCTGGGCTCGTGGTCCCACTGCAGCT[G>A]GCAGAGAGCCCGCCGCACAGAGGCCAGCTCCCAGCCCATGGAGTCCACCAGCTTGACCAT-3'

ClinVar aggregate classification (germline): Pathogenic. Review status: criteria provided, multiple submitters, no conflicts (2 of 4 stars). 2 submissions from 2 submitters: Pathogenic (2). Last evaluated 2022-11-08.

Conditions:
Baller-Gerold syndrome (BGS). Also called: CRANIOSYNOSTOSIS WITH RADIAL DEFECTS. Identifiers: Orphanet 1225, MedGen C0265308, MONDO:0009039, OMIM 218600.

Submissions (2):

Labcorp Genetics (formerly Invitae), Labcorp
Classification: Pathogenic for Baller-Gerold syndrome. Last evaluated: 2022-11-08. Review status: criteria provided, single submitter. Criteria: Invitae Variant Classification Sherloc (09022015). Collection method: clinical testing. Allele origin: germline.
Comment: For these reasons, this variant has been classified as Pathogenic. This sequence change creates a premature translational stop signal (p.Gln1009*) in the RECQL4 gene. It is expected to result in an absent or disrupted protein product. Loss-of-function variants in RECQL4 are known to be pathogenic (PMID: 12734318, 12952869). This variant is not present in population databases (gnomAD no frequency). This variant has not been reported in the literature in individuals affected with RECQL4-related conditions. ClinVar contains an entry for this variant (Variation ID: 593151).

Eurofins Ntd Llc (ga)
Classification: Pathogenic. Last evaluated: 2017-07-10. Review status: criteria provided, single submitter. Criteria: EGL Classification Definitions 2015. Collection method: clinical testing. Allele origin: germline. Observed: 1 variant allele, 1 heterozygote.

Literature cited by the submitters: PubMed 12734318 (cited by Labcorp Genetics (formerly Invitae), Labcorp); PubMed 12952869 (cited by Labcorp Genetics (formerly Invitae), Labcorp).